The following is an entry in ClinVar:

ClinVar aggregate classification (germline): Likely pathogenic (1 of 4 stars; one submission).

Conditions:
Dilated cardiomyopathy 1G (CMD1G). Identifiers: Orphanet 154, MedGen C1858763, MONDO:0011400, OMIM 604145.
Autosomal recessive limb-girdle muscular dystrophy type 2J (LGMDR10). Also called: Limb-girdle muscular dystrophy, type 2J; MUSCULAR DYSTROPHY, LIMB-GIRDLE, AUTOSOMAL RECESSIVE 10. Identifiers: Orphanet 140922, MedGen C1837342, MONDO:0012127, OMIM 608807.

Submission:

Labcorp Genetics (formerly Invitae), Labcorp
Classification: Likely pathogenic for Dilated cardiomyopathy 1G; Autosomal recessive limb-girdle muscular dystrophy type 2J. Last evaluated: 2024-06-17. Review status: criteria provided, single submitter. Criteria: Invitae Variant Classification Sherloc (09022015). Collection method: clinical testing. Allele origin: germline.
Comment: This sequence change creates a premature translational stop signal (p.Pro13572Lysfs*34) in the TTN gene. While this is not anticipated to result in nonsense mediated decay, it is expected to create a truncated TTN protein. This variant is not present in population databases (gnomAD no frequency). This variant has not been reported in the literature in individuals affected with TTN-related conditions. This variant is located in the I band of TTN (PMID: 25589632). Truncating variants in this region have been reported in individuals affected with autosomal recessive centronuclear myopathy (PMID: 23975875, Invitae internal data). Truncating variants in this region have also been identified in individuals affected with autosomal dominant dilated cardiomyopathy and/or cardio-related conditions (PMID: 27869827, 32964742, Invitae internal data). In summary, the currently available evidence indicates that the variant is pathogenic, but additional data are needed to prove that conclusively. Therefore, this variant has been classified as Likely Pathogenic.

Literature cited by the submitters: PubMed 25589632; PubMed 23975875; PubMed 27869827; PubMed 32964742.

NM_001267550.2(TTN):c.40691_40713dup (p.Pro13572fs)

Gene: TTN (titin; minus strand). Cytogenetic location: 2q31.2.
Variant type: Duplication.
Coding change: c.40691_40713dup on transcript NM_001267550.2 (MANE Select); coding-DNA positions 40691 to 40713, 23 bases duplicated (AAAGGGAAAGGAAGATTCCTGAA).
Protein change: p.Pro13572fs; shifts the reading frame from proline 13572.
Molecular consequence: frameshift variant.
Genome position (GRCh38, 1-based): chr2:178,640,551-178,640,573, TTCAGGAATCTTCCTTTCCCTTT duplicated on the plus strand (AAAGGGAAAGGAAGATTCCTGAA on the coding strand, the reverse complement: TTN is on the minus strand); duplicating any 23 consecutive bases within chr2:178,640,551-178,640,575 gives the same sequence; the c. name uses the placement nearest the transcript's 3' end. VCF-style (leftmost placement, unchanged base first): chr2-178640550-G-GTTCAGGAATCTTCCTTTCCCTTT. GRCh37 (hg19) VCF-style: chr2-179505277-G-GTTCAGGAATCTTCCTTTCCCTTT.
Other names: c.35768_35790dup, p.Pro11931fs (NM_001256850.1); c.13496_13518dup, p.Pro4507fs (NM_003319.4); c.32987_33009dup, p.Pro11004fs (NM_133378.4); c.13871_13893dup, p.Pro4632fs (NM_133432.3); c.14072_14094dup, p.Pro4699fs (NM_133437.4); short protein forms P11004fs, P13572fs, P4507fs, P4632fs, P4699fs, P11931fs.
Identifiers: ClinVar variation 2946212 (VCV002946212.3), dbSNP rs2471801299, ClinGen allele CA2740096172.
Genomic context (GRCh38, chr2:178,640,550, plus strand): 5'-GATACATATTTGCATTTTTAGAGACAACTAAGAATGACAGTAGATTTGTACCTTTTGTTG[G>GTTCAGGAATCTTCCTTTCCCTTT]TTCAGGAATCTTCCTTTCCCTTTTTGTAACAGTAGGTACTTCAACCTCTTCAACAGGTTT-3'